The following is an entry in ClinVar:

ClinVar aggregate classification (germline): Benign/Likely benign. Review status: criteria provided, multiple submitters, no conflicts (2 of 4 stars). 4 submissions from 4 submitters: Benign (1); Likely benign (3). Last evaluated 2025-02-11.

Conditions:
Hereditary cancer-predisposing syndrome. Also called: Hereditary Cancer Syndrome; Neoplastic Syndromes, Hereditary; Tumor predisposition; Hereditary neoplastic syndrome. Identifiers: Orphanet 140162, MedGen C0027672, MeSH D009386, MONDO:0015356.
Colorectal cancer, susceptibility to, 12 (CRCS12). Also called: COLORECTAL CANCER, SUSCEPTIBILITY TO, ON CHROMOSOME 12q24. Identifiers: Orphanet 220460, MedGen C3554460, MONDO:0014038, OMIM 615083.

Allele frequency attached by ClinVar (database versions not stated): gnomAD exomes below 0.00001; ExAC 0.00001.
gnomAD v4.1: 1 of 1,613,932 alleles (0.000062%); highest among the groups gnomAD compares: African/African-American, 0.0013%; no homozygotes.

Submissions (4):

Myriad Genetics, Inc.
Classification: Benign for Colorectal cancer, susceptibility to, 12. Last evaluated: 2025-02-11. Review status: criteria provided, single submitter. Criteria: Myriad Autosomal Dominant, Autosomal Recessive and X-Linked Classification Criteria (2023). Collection method: clinical testing. Allele origin: unknown.
Comment: This variant is considered benign. This variant is a silent/synonymous amino acid change and it is not expected to impact splicing.

Labcorp Genetics (formerly Invitae), Labcorp
Classification: Likely benign. Last evaluated: 2023-11-11. Review status: criteria provided, single submitter. Criteria: Invitae Variant Classification Sherloc (09022015). Collection method: clinical testing. Allele origin: germline.

Blueprint Genetics
Classification: Likely benign. Last evaluated: 2022-12-01. Review status: criteria provided, single submitter. Criteria: ACMG Guidelines, 2015. Collection method: clinical testing. Allele origin: germline.

Ambry Genetics
Classification: Likely benign for Hereditary cancer-predisposing syndrome. Last evaluated: 2021-09-02. Review status: criteria provided, single submitter. Criteria: Ambry Variant Classification Scheme 2023. Collection method: clinical testing. Allele origin: germline.

NM_006231.4(POLE):c.1416G>A (p.Lys472=)

Gene: POLE (DNA polymerase epsilon, catalytic subunit; minus strand). Cytogenetic location: 12q24.33.
Variant type: single nucleotide variant.
Coding change: c.1416G>A on transcript NM_006231.4 (MANE Select); coding-DNA position 1416, G replaced by A.
Protein change: p.Lys472=; no amino-acid change (lysine 472 retained).
Molecular consequence: synonymous variant.
Genome position (GRCh38, 1-based): chr12:132,673,221, C>T on the plus strand (G>A on the coding strand, the complement: POLE is on the minus strand). VCF-style: chr12-132673221-C-T. GRCh37 (hg19) VCF-style: chr12-133249807-C-T.
Identifiers: ClinVar variation 1106546 (VCV001106546.13), dbSNP rs776977459, ClinGen allele CA6893963.